The following is an entry in ClinVar:

ClinVar aggregate classification (germline): Conflicting classifications of pathogenicity. Review status: criteria provided, conflicting classifications (1 of 4 stars). 2 submissions from 2 submitters: Pathogenic (1); Uncertain significance (1). Last evaluated 2024-09-29.

Conditions:
Wiedemann-Steiner syndrome (WDSTS). Also called: Growth deficiency and mental retardation with facial dysmorphism. Identifiers: Orphanet 319182, MedGen C1854630, MONDO:0011518, OMIM 605130.

Submissions (2):

GeneDx
Classification: Pathogenic. Last evaluated: 2024-09-29. Review status: criteria provided, single submitter. Criteria: GeneDx Variant Classification Process June 2021. Collection method: clinical testing. Allele origin: germline. Affected: yes.
Comment: Not observed at significant frequency in large population cohorts (gnomAD); In silico analysis supports that this missense variant has a deleterious effect on protein structure/function; This variant is associated with the following publications: (PMID: 34469078, 29203834, 33144682, 36672771, 35727845)

Institute of Human Genetics, University of Leipzig Medical Center
Classification: Uncertain significance for Wiedemann-Steiner syndrome. Last evaluated: 2018-09-12. Review status: criteria provided, single submitter. Criteria: ACMG Guidelines, 2015. Collection method: clinical testing. Allele origin: germline. Affected: yes. Observed: 1 variant allele.

NM_001197104.2(KMT2A):c.3581G>A (p.Cys1194Tyr)

Gene: KMT2A (lysine methyltransferase 2A; plus strand). Cytogenetic location: 11q23.3.
Variant type: single nucleotide variant.
Coding change: c.3581G>A on transcript NM_001197104.2 (MANE Select); coding-DNA position 3581, G replaced by A.
Protein change: p.Cys1194Tyr; replaces cysteine 1194 with tyrosine.
Molecular consequence: missense variant.
Genome position (GRCh38, 1-based): chr11:118,480,185, G>A. VCF-style: chr11-118480185-G-A. GRCh37 (hg19) VCF-style: chr11-118350900-G-A.
Other names: c.3581G>A, p.Cys1194Tyr (NM_005933.4); short protein forms C1194Y.
Identifiers: ClinVar variation 976163 (VCV000976163.2), dbSNP rs1950106455, ClinGen allele CA382826277.